The following is an entry in ClinVar:

ClinVar aggregate classification (germline): Uncertain significance (1 of 4 stars; one submission).

Conditions:
Idiopathic generalized epilepsy. Also called: Generalised epilepsy; EIG. Identifiers: MedGen C0270850, MONDO:0005579, OMIM 600669.
Hyperaldosteronism, familial, type IV (HALD4). Also called: FH IV; ALDOSTERONISM, PRIMARY, AND HYPERTENSION. Identifiers: Orphanet 642671, MedGen C4310756, MONDO:0014875, OMIM 617027.

Submission:

Labcorp Genetics (formerly Invitae), Labcorp
Classification: Uncertain significance for Idiopathic generalized epilepsy; Hyperaldosteronism, familial, type IV. Last evaluated: 2020-12-21. Review status: criteria provided, single submitter. Criteria: Invitae Variant Classification Sherloc (09022015). Collection method: clinical testing. Allele origin: germline.
Comment: In summary, the available evidence is currently insufficient to determine the role of this variant in disease. Therefore, it has been classified as a Variant of Uncertain Significance. Experimental studies and prediction algorithms are not available or were not evaluated, and the functional significance of this variant is currently unknown. This variant has not been reported in the literature in individuals with CACNA1H-related conditions. The frequency data for this variant in the population databases is considered unreliable, as metrics indicate poor data quality at this position in the ExAC database. This variant, c.6581_6583del, results in the deletion of 1 amino acid(s) of the CACNA1H protein (p.Val2194del), but otherwise preserves the integrity of the reading frame.

NM_021098.3(CACNA1H):c.6581_6583del (p.Val2194del)

Gene: CACNA1H (calcium voltage-gated channel subunit alpha1 H; plus strand). Cytogenetic location: 16p13.3.
Variant type: Deletion.
Coding change: c.6581_6583del on transcript NM_021098.3 (MANE Select); coding-DNA positions 6581 to 6583, 3 bases deleted (TGG; older notation c.6581_6583delTGG).
Protein change: p.Val2194del; deletes valine 2194.
Molecular consequence: inframe deletion.
Genome position (GRCh38, 1-based): chr16:1,220,513-1,220,515, TGG deleted; deleting any 3 consecutive bases within chr16:1,220,511-1,220,515 gives the same sequence; the c. name uses the placement nearest the transcript's 3' end. VCF-style (leftmost placement, unchanged base first): chr16-1220510-CGGT-C. GRCh37 (hg19) VCF-style: chr16-1270510-CGGT-C.
Other names: c.6563_6565del, p.Val2188del (NM_001005407.2); short protein forms V2188del, V2194del.
Identifiers: ClinVar variation 1485287 (VCV001485287.8), dbSNP rs763914077, ClinGen allele CA7802421.